The following is an entry in ClinVar:

NM_152416.4(NDUFAF6):c.420+1_420+2dup

Gene: NDUFAF6 (NADH:ubiquinone oxidoreductase complex assembly factor 6; plus strand). Cytogenetic location: 8q22.1.
Variant type: Duplication.
Coding change: c.420+1_420+2dup on transcript NM_152416.4 (MANE Select); the canonical splice donor site of the intron after coding-DNA position 420, 2 bases duplicated (GT; older notation c.420+1_420+2dupGT).
Molecular consequence: splice donor variant.
Genome position (GRCh38, 1-based): chr8:95,035,577-95,035,578, GT duplicated. VCF-style (leftmost placement, unchanged base first): chr8-95035576-G-GGT. GRCh37 (hg19) VCF-style: chr8-96047804-G-GGT.
Other names: c.87+1_87+2dup (NM_001354534.2, NM_001354518.2, NM_001354519.2 and 1 more transcripts); c.144+1_144+2dup (NM_001354514.2, NM_001354515.2, NM_001330582.2 and 1 more transcripts); c.-230+1_-230+2dup (NM_001354525.2, NM_001354524.2, NM_001354528.2 and 1 more transcripts); c.-161+1_-161+2dup (NM_001354522.2, NM_001354532.2, NM_001354530.2 and 1 more transcripts); c.264+1_264+2dup (NM_001354516.2); c.-259+1_-259+2dup (NM_001354527.2, NM_001354531.2).
Identifiers: ClinVar variation 1029199 (VCV001029199.1), dbSNP rs1829405389, ClinGen allele CA1803746654.
Genomic context (GRCh38, chr8:95,035,576, plus strand): 5'-TGTGGAAGATATATACTGTGACAATCCACCACATCAGCCTGTGGCCATTGAACTATGGAA[G>GGT]GTAAAAAAAAAAAAATACCACTTTTAATTTGTATGAATATTATTCGAGTCTACTTTTTGA-3'

ClinVar aggregate classification (germline): Likely pathogenic (1 of 4 stars; one submission).

Conditions:
Mitochondrial complex I deficiency, nuclear type 17. Also called: Mitochondrial complex 1 deficiency, nuclear type 17. Identifiers: MedGen C4748786, MONDO:0032622, OMIM 618239.

Submission:

Baylor Genetics
Classification: Likely pathogenic for Mitochondrial complex I deficiency, nuclear type 17. Last evaluated: 2019-09-06. Review status: criteria provided, single submitter. Criteria: ACMG Guidelines, 2015. Collection method: clinical testing. Allele origin: unknown. Affected: yes.
Comment: This variant was determined to be likely pathogenic according to ACMG Guidelines, 2015 [PMID:25741868].